The following is an entry in ClinVar:

NM_001375808.2(LPIN2):c.776_777del (p.Glu259fs)

Gene: LPIN2 (lipin 2; minus strand). Cytogenetic location: 18p11.31.
Variant type: Microsatellite.
Coding change: c.776_777del on transcript NM_001375808.2 (MANE Select); coding-DNA positions 776 to 777, 2 bases deleted (AG; older notation c.776_777delAG).
Protein change: p.Glu259fs; shifts the reading frame from glutamic acid 259.
Molecular consequence: frameshift variant.
Genome position (GRCh38, 1-based): chr18:2,939,525-2,939,526, CT deleted on the plus strand (AG on the coding strand, the reverse complement: LPIN2 is on the minus strand); deleting any 2 consecutive bases within chr18:2,939,525-2,939,528 gives the same sequence; the c. name uses the placement nearest the transcript's 3' end. VCF-style (leftmost placement, unchanged base first): chr18-2939524-ACT-A. GRCh37 (hg19) VCF-style: chr18-2939522-ACT-A.
Other names: c.776_777del, p.Glu259fs (NM_001375809.1, NM_014646.2); short protein forms E259fs.
Identifiers: ClinVar variation 4681401 (VCV004681401.5).
Genomic context (GRCh38, chr18:2,939,524, plus strand): 5'-AAGTAAACCCTAGTACCTTGGTGGACTCTGGGAATCCGCCCCACGTCCACTCCATGTGAG[ACT>A]CTGATCTGAGCAGGCTCTCCGCAGGTTTCACCTCCAGCTCTGAATCACTCTTAGGACACG-3'

ClinVar aggregate classification (germline): Pathogenic (1 of 4 stars; one submission).

Submission:

CeGaT Center for Human Genetics Tuebingen
Classification: Pathogenic. Last evaluated: 2025-12-01. Review status: criteria provided, single submitter. Criteria: CeGaT Center For Human Genetics Tuebingen Variant Classification Criteria Version 2. Collection method: clinical testing. Allele origin: germline. Affected: yes. Observed: 1 variant allele.
Comment: LPIN2: PVS1, PM2